The following is an entry in ClinVar:

ClinVar aggregate classification (germline): Uncertain significance (1 of 4 stars; one submission).

Submission:

Labcorp Genetics (formerly Invitae), Labcorp
Classification: Uncertain significance. Last evaluated: 2022-03-20. Review status: criteria provided, single submitter. Criteria: Invitae Variant Classification Sherloc (09022015). Collection method: clinical testing. Allele origin: germline.
Comment: In summary, the available evidence is currently insufficient to determine the role of this variant in disease. Therefore, it has been classified as a Variant of Uncertain Significance. This sequence change replaces leucine, which is neutral and non-polar, with arginine, which is basic and polar, at codon 840 of the MICAL1 protein (p.Leu840Arg). Algorithms developed to predict the effect of missense changes on protein structure and function are either unavailable or do not agree on the potential impact of this missense change (SIFT: "Deleterious"; PolyPhen-2: "Possibly Damaging"; Align-GVGD: "Class C0"). This variant has not been reported in the literature in individuals affected with MICAL1-related conditions. This variant is not present in population databases (gnomAD no frequency).

NM_022765.4(MICAL1):c.2462T>G (p.Leu821Arg)

Gene: MICAL1 (microtubule associated monooxygenase, calponin and LIM domain containing 1; minus strand). Cytogenetic location: 6q21.
Variant type: single nucleotide variant.
Coding change: c.2462T>G on transcript NM_022765.4 (MANE Select); coding-DNA position 2462, T replaced by G.
Protein change: p.Leu821Arg; replaces leucine 821 with arginine.
Molecular consequence: missense variant.
Genome position (GRCh38, 1-based): chr6:109,446,255, A>C on the plus strand (T>G on the coding strand, the complement: MICAL1 is on the minus strand). VCF-style: chr6-109446255-A-C. GRCh37 (hg19) VCF-style: chr6-109767458-A-C.
Other names: c.2204T>G, p.Leu735Arg (NM_001159291.2); c.2519T>G, p.Leu840Arg (NM_001286613.2); short protein forms L821R, L840R, L735R.
Identifiers: ClinVar variation 2111693 (VCV002111693.4), dbSNP rs755137933, ClinGen allele CA365223485.